The following is an entry in ClinVar:

NM_006087.4(TUBB4A):c.24G>T (p.Gln8His)

Genes: TUBB4A (tubulin beta 4A class IVa; minus strand), LOC130063295 (ATAC-STARR-seq lymphoblastoid silent region 9955; plus strand). Cytogenetic location: 19p13.3.
Variant type: single nucleotide variant.
Coding change: c.24G>T on transcript NM_006087.4 (MANE Select); coding-DNA position 24, G replaced by T.
Protein change: p.Gln8His; replaces glutamine 8 with histidine.
Molecular consequence: missense variant. On other transcripts: 5 prime UTR variant (2).
Genome position (GRCh38, 1-based): chr19:6,502,189, C>A on the plus strand (G>T on the coding strand, the complement: TUBB4A is on the minus strand). VCF-style: chr19-6502189-C-A. GRCh37 (hg19) VCF-style: chr19-6502200-C-A.
Other names: c.177G>T, p.Gln59His (NM_001289123.2); c.159G>T, p.Gln53His (NM_001289127.2); c.24G>T, p.Gln8His (NM_001289129.2); c.-150G>T (NM_001289130.2); c.-117G>T (NM_001289131.2); short protein forms Q8H, Q53H, Q59H.
Identifiers: ClinVar variation 2752811 (VCV002752811.3), dbSNP rs1279727525, ClinGen allele CA403595284.

ClinVar aggregate classification (germline): Uncertain significance (1 of 4 stars; one submission).

Conditions:
Leukodystrophy, hypomyelinating, 6. Also called: LEUKODYSTROPHY, HYPOMYELINATING, WITH ATROPHY OF THE BASAL GANGLIA AND CEREBELLUM; TUBB4A-Associated Leukodystrophy; Hypomyelination with Atrophy of Basal Ganglia and Cerebellum (H-ABC). Identifiers: Orphanet 139441, MedGen C2676244, MONDO:0012905, OMIM 612438.

Submission:

Labcorp Genetics (formerly Invitae), Labcorp
Classification: Uncertain significance for Leukodystrophy, hypomyelinating, 6. Last evaluated: 2025-09-14. Review status: criteria provided, single submitter. Criteria: Invitae Variant Classification Sherloc (09022015). Collection method: clinical testing. Allele origin: germline.
Comment: This sequence change replaces glutamine, which is neutral and polar, with histidine, which is basic and polar, at codon 8 of the TUBB4A protein (p.Gln8His). This variant is not present in population databases (gnomAD no frequency). This variant has not been reported in the literature in individuals affected with TUBB4A-related conditions. ClinVar contains an entry for this variant (Variation ID: 2752811). Invitae Evidence Modeling of protein sequence and biophysical properties (such as structural, functional, and spatial information, amino acid conservation, physicochemical variation, residue mobility, and thermodynamic stability) indicates that this missense variant is expected to disrupt TUBB4A protein function with a positive predictive value of 80%. In summary, the available evidence is currently insufficient to determine the role of this variant in disease. Therefore, it has been classified as a Variant of Uncertain Significance.